The following is an entry in ClinVar:

ClinVar aggregate classification (germline): Uncertain significance. Review status: criteria provided, multiple submitters, no conflicts (2 of 4 stars). 2 submissions from 2 submitters: Uncertain significance (2). Last evaluated 2026-06-14.

Conditions:
Inborn genetic diseases. Identifiers: MedGen C0950123, MeSH D030342.

gnomAD v4.1: 1 of 1,613,836 alleles (0.000062%); highest among the groups gnomAD compares: Non-Finnish European, 0.000085%; no homozygotes.

Submissions (2):

Ambry Genetics
Classification: Uncertain significance for Inborn genetic diseases. Last evaluated: 2026-06-14. Review status: criteria provided, single submitter. Criteria: Ambry Variant Classification Scheme 2023. Collection method: clinical testing. Allele origin: germline.
Comment: The p.D388V variant (also known as c.1163A>T), located in coding exon 10 of the ANKRD26 gene, results from an A to T substitution at nucleotide position 1163. The aspartic acid at codon 388 is replaced by valine, an amino acid with highly dissimilar properties. This amino acid position is conserved. In addition, this alteration is predicted to be tolerated by in silico analysis. Based on the available evidence, the clinical significance of this variant remains unclear.

Labcorp Genetics (formerly Invitae), Labcorp
Classification: Uncertain significance. Last evaluated: 2023-10-20. Review status: criteria provided, single submitter. Criteria: Invitae Variant Classification Sherloc (09022015). Collection method: clinical testing. Allele origin: germline.
Comment: This sequence change replaces aspartic acid, which is acidic and polar, with valine, which is neutral and non-polar, at codon 388 of the ANKRD26 protein (p.Asp388Val). This variant is not present in population databases (gnomAD no frequency). This variant has not been reported in the literature in individuals affected with ANKRD26-related conditions. An algorithm developed to predict the effect of missense changes on protein structure and function (PolyPhen-2) suggests that this variant is likely to be disruptive. In summary, the available evidence is currently insufficient to determine the role of this variant in disease. Therefore, it has been classified as a Variant of Uncertain Significance.

NM_014915.3(ANKRD26):c.1163A>T (p.Asp388Val)

Gene: ANKRD26 (ankyrin repeat domain 26; minus strand). Cytogenetic location: 10p12.1.
Variant type: single nucleotide variant.
Coding change: c.1163A>T on transcript NM_014915.3 (MANE Select); coding-DNA position 1163, A replaced by T.
Protein change: p.Asp388Val; replaces aspartic acid 388 with valine.
Molecular consequence: missense variant.
Genome position (GRCh38, 1-based): chr10:27,067,201, T>A on the plus strand (A>T on the coding strand, the complement: ANKRD26 is on the minus strand). VCF-style: chr10-27067201-T-A. GRCh37 (hg19) VCF-style: chr10-27356130-T-A.
Other names: c.1163A>T, p.Asp388Val (NM_001256053.2); short protein forms D388V.
Identifiers: ClinVar variation 2894181 (VCV002894181.4), dbSNP rs2539036088, ClinGen allele CA376359878.